The following is an entry in ClinVar:

ClinVar aggregate classification (germline): Pathogenic/Likely pathogenic. Review status: criteria provided, multiple submitters, no conflicts (2 of 4 stars). 71 submissions from 65 submitters: Pathogenic (50); Likely pathogenic (7). 14 of the submissions do not count toward it. Last evaluated 2026-09-01.

Conditions:
G6PD-related disorders.
G6PD-related disorder. Also called: G6PD-related condition.
Hemolytic anemia, G6PD deficient (favism).
Inborn genetic diseases. Identifiers: MedGen C0950123, MeSH D030342.
G6PD deficient hemolytic anemia.
Malaria, susceptibility to. Identifiers: Orphanet 673, MedGen C1970028, MONDO:0021024, OMIM 611162.
Anemia, nonspherocytic hemolytic, due to G6PD deficiency (CNSHA1). Also called: Hemolytic anemia due to G6PD deficiency; ANEMIA, CONGENITAL, NONSPHEROCYTIC HEMOLYTIC, 1; Class I glucose-6-phosphate dehydrogenase deficiency; Favism, susceptibility to. Identifiers: Orphanet 466026, MedGen C2720289, MONDO:0010480, OMIM 300908.
Granulomatous disease, chronic, X-linked. Also called: CYTOCHROME b-NEGATIVE GRANULOMATOUS DISEASE, CHRONIC, X-LINKED; GRANULOMATOUS DISEASE, CHRONIC, X-LINKED, SOMATIC MOSAIC. Identifiers: Orphanet 379, MedGen C1844376, MONDO:0010600, OMIM 306400.
G6PD CAGLIARI.
G6PD deficiency. Also called: G6PD A-. Identifiers: MedGen C2939465, MONDO:0005775.
G6PD MEDITERRANEAN.
G6PD SASSARI.

Allele frequency attached by ClinVar (database versions not stated): TOPMed 0.00056; gnomAD exomes 0.00255 and 0.00140; ExAC 0.00265; gnomAD 0.00028 and 0.00067; 1000 Genomes Project 0.00079; 1000 Genomes Project 30x 0.00083.
gnomAD v4.1: 1,705 of 1,209,752 alleles (0.14%); highest among the groups gnomAD compares: Middle Eastern, 4.2%; 23 homozygotes.

Submissions 1 to 10 of 71:

CeGaT Center for Human Genetics Tuebingen
Classification: Pathogenic. Last evaluated: 2026-09-01. Review status: criteria provided, single submitter. Criteria: CeGaT Center For Human Genetics Tuebingen Variant Classification Criteria Version 2. Collection method: clinical testing. Allele origin: germline. Affected: yes. Observed: 259 variant alleles.
Comment: G6PD: PP1:Strong, PS4, PS3:Moderate

Medgenome Labs Ltd
Classification: Pathogenic for Anemia, nonspherocytic hemolytic, due to G6PD deficiency. Last evaluated: 2026-07-07. Review status: criteria provided, single submitter. Criteria: ACMG Guidelines, 2015. Collection method: clinical testing. Allele origin: germline. Affected: yes.

PreventionGenetics, part of Exact Sciences
Classification: Pathogenic for G6PD-related condition. Last evaluated: 2026-06-12. Review status: criteria provided, single submitter. Criteria: ACMG Guidelines, 2015. Collection method: clinical testing. Allele origin: germline.
Comment: The G6PD c.563C>T variant is predicted to result in the amino acid substitution p.Ser188Phe. This variant, commonly referred to as the "Mediterranean" allele, has been reported to be causative for glucose-6-phosphate dehydrogenase (G6PD) deficiency (see for examples Vulliamy et al. 1988. PubMed ID: 3393536; Yusoff et al. 2002. PubMed ID: 12215013; Moiz et al. 2012. PubMed ID: 22906047). This variant is reported in 1.7% of alleles in individuals of South Asian descent and with a global allele frequency of 0.17% including hundreds of hemizygous individuals and several homozygous individuals. This variant is interpreted as pathogenic.

Clinical Genomics Laboratory, Washington University in St. Louis
Classification: Pathogenic for Anemia, nonspherocytic hemolytic, due to G6PD deficiency. Last evaluated: 2026-04-10. Review status: criteria provided, single submitter. Criteria: ACMG Guidelines, 2015. Collection method: clinical testing. Allele origin: germline. Affected: yes.
Comment: The G6PD c.563C>T (p.Ser188Phe) variant, known as G6PD Mediterranean and as c.653C>T (p.Ser218Phe) by legacy nomenclature, has been reported in several homozygous and hemizygous probands with G6PD deficiency, including in case–control studies (Hellani A et al., PMID: 19594365; Jamornthanyawat N et al., PMID: 24586352; Moiz B et al., PMID: 22906047; Santana MS et al., PMID: 23479361). This variant has been reported in the ClinVar database as a germline pathogenic variant by 56 submitters and as a likely pathogenic variant by five submitters. Functional studies show that the c.563C>T variant results in 0–7% residual enzyme activity in red blood cells compared to wild type and causes decreased thermostability and reduced catalytic activity, indicating that this variant impacts protein function (Moiz B et al. PMID: 22906047; Molou E et al., PMID: 24460025; Vulliamy TJ et al., PMID: 3393536). The highest population minor allele frequency in the Genome Aggregation Database (v2.1.1) is 1.7% in the South Asian population. Computational predictors indicate that the variant is damaging, evidence that correlates with its impact on G6PD function. Based on the available information and the ACMG/AMP guidelines for variant interpretation (Richards S et al., PMID: 25741868), this variant is classified as pathogenic.

Dasa
Classification: Pathogenic. Last evaluated: 2026-03-25. Review status: criteria provided, single submitter. Criteria: DASA Assertion Criteria. Collection method: clinical testing. Allele origin: germline.
Comment: NM_001360016.2(G6PD):c.563C>T (p.Ser188Phe) is a missense variant that results in the substitution of serine with phenylalanine. Functional evidence supports a deleterious effect on the gene or gene product (PMID: 19594365; PMID: 22906047; PMID: 23479361; PMID: 24460025; PMID: 24586352). This variant has been recurrently observed in individuals with related phenotype (PMID: 19594365; PMID: 22906047; PMID: 23479361; PMID: 24460025; PMID: 24586352). Segregation evidence has been reported in affected families. Multiple computational predictions support a deleterious effect on the gene or gene product. The variant is present at low frequency in population datasets. Based on the available data, this variant is classified as pathogenic.

Labcorp Genetics (formerly Invitae), Labcorp
Classification: Pathogenic for Anemia, nonspherocytic hemolytic, due to G6PD deficiency. Last evaluated: 2026-01-31. Review status: criteria provided, single submitter. Criteria: Invitae Variant Classification Sherloc (09022015). Collection method: clinical testing. Allele origin: germline.
Comment: This sequence change replaces serine, which is neutral and polar, with phenylalanine, which is neutral and non-polar, at codon 188 of the G6PD protein (p.Ser188Phe). This variant is present in population databases (rs5030868, gnomAD 1.7%), and has an allele count higher than expected for a pathogenic variant. This missense change has been observed in individual(s) with G6PD deficiency (PMID: 1978554, 8611726, 15315792, 16119988, 22018328, 24586352). It is commonly reported in individuals of Mediterranean, Middle Eastern, or Indian ancestry (PMID: 1978554, 8611726, 15315792, 16119988, 22018328, 24586352). ClinVar contains an entry for this variant (Variation ID: 100057). Invitae Evidence Modeling of protein sequence and biophysical properties (such as structural, functional, and spatial information, amino acid conservation, physicochemical variation, residue mobility, and thermodynamic stability) indicates that this missense variant is expected to disrupt G6PD protein function with a positive predictive value of 95%. Experimental studies have shown that this missense change affects G6PD function (PMID: 3393536, 22906047, 24460025). For these reasons, this variant has been classified as Pathogenic.

3billion
Classification: Pathogenic for Anemia, nonspherocytic hemolytic, due to G6PD deficiency. Last evaluated: 2026-01-26. Review status: criteria provided, single submitter. Criteria: ACMG Guidelines, 2015. Collection method: clinical testing. Allele origin: germline. Affected: yes.
Comment: The variant is observed in the gnomAD v4.1.0 dataset (total allele frequency: 0.141%). Predicted Consequence/Location: Missense variant. Missense changes are a common disease-causing mechanism. In silico tool predictions suggest damaging effect of the variant on gene or gene product [REVEL: 0.81 (>=0.6, sensitivity 0.68 and specificity 0.92); 3Cnet: 0.99 (> 0.75, sensitivity 0.96 and precision 0.92)]. The same nucleotide change resulting in the same amino acid change has been previously reported as pathogenic/likely pathogenic with very strong evidence (ClinVar ID: VCV000100057 /PMID: 3393536, VCV000100057 /3billion dataset). Therefore, this variant is classified as Pathogenic according to the recommendation of ACMG/AMP guideline.

Ambry Genetics
Classification: Pathogenic for Inborn genetic diseases. Last evaluated: 2026-01-08. Review status: criteria provided, single submitter. Criteria: Ambry Variant Classification Scheme 2023. Collection method: clinical testing. Allele origin: germline.
Comment: The c.563C>T (p.S188F) alteration is located in exon 6 (coding exon 5) of the G6PD gene. This alteration results from a C to T substitution at nucleotide position 563, causing the serine (S) at amino acid position 188 to be replaced by a phenylalanine (F). Based on data from gnomAD, this allele has an overall frequency of 0.23% (471/204697) total alleles studied. The highest observed frequency was 1.735% (331/19078) of South Asian alleles. This variant has been reported as hemizygous in individual(s) with features consistent with G6PD deficient hemolytic anemia (Vulliamy, 1988; De Vita, 1989; Beutler, 1990; Matsuoka, 2003; Orman, 2023; Ambry internal data). Note, this variant is also referred to as c.653C>T (p.S218F) in the literature. This amino acid position is not well conserved in available vertebrate species. Functional analysis demonstrated that circulating erythrocytes from affected individuals with the p.S188F alteration exhibited decreased residual enzyme activity (0-7% compared to wildtype). Additionally, in vitro assays of the p.S188F demonstrated decreased thermostability (Vulliamy, 1988). This alteration is predicted to be deleterious by in silico analysis. Based on the available evidence, this alteration is classified as pathogenic.

Center for Genomic Medicine, Rigshospitalet, Copenhagen University Hospital
Classification: Pathogenic. Last evaluated: 2025-12-29. Review status: criteria provided, single submitter. Criteria: ACMG Guidelines, 2015. Collection method: clinical testing. Allele origin: germline.

Mayo Clinic Laboratories, Mayo Clinic
Classification: Pathogenic. Last evaluated: 2025-10-28. Review status: criteria provided, single submitter. Criteria: ACMG Guidelines, 2015. Collection method: clinical testing. Allele origin: germline. Observed: 42 variant alleles.

NM_000402.4(G6PD):c.653C>T (p.Ser218Phe)

Gene: G6PD (glucose-6-phosphate dehydrogenase; minus strand). Cytogenetic location: Xq28.
Variant type: single nucleotide variant.
Coding change: c.653C>T on transcript NM_000402.4; coding-DNA position 653, C replaced by T.
Protein change: p.Ser218Phe; replaces serine 218 with phenylalanine.
Molecular consequence: missense variant.
Genome position (GRCh38, 1-based): chrX:154,534,419, G>A on the plus strand (C>T on the coding strand, the complement: G6PD is on the minus strand). VCF-style: chrX-154534419-G-A. GRCh37 (hg19) VCF-style: chrX-153762634-G-A.
Other names: G6PD, SER188PHE; G6PD Birmingham; G6PD Cagliari; G6PD Dallas; G6PD Mediterranean; G6PD Panama; G6PD Sassari; p.(Ser188Phe); and 2 more; short protein forms S188F, S218F.
Identifiers: ClinVar variation 100057 (VCV000100057.138), dbSNP rs5030868, ClinGen allele CA120955.